The following is an entry in ClinVar:

NM_000548.5(TSC2):c.2355+6A>T

Gene: TSC2 (TSC complex subunit 2; plus strand). Cytogenetic location: 16p13.3.
Variant type: single nucleotide variant.
Coding change: c.2355+6A>T on transcript NM_000548.5 (MANE Select); 6 bases into the intron after coding-DNA position 2355, A replaced by T.
Molecular consequence: intron variant.
Genome position (GRCh38, 1-based): chr16:2,072,989, A>T. VCF-style: chr16-2072989-A-T. GRCh37 (hg19) VCF-style: chr16-2122990-A-T.
Other names: c.2355+6A>T (NM_001114382.3, NM_021055.3, NM_001370405.1 and 3 more transcripts); c.2244+6A>T (NM_001318827.2); c.1755+6A>T (NM_001318831.2); c.2208+6A>T (NM_001318829.2); c.2388+6A>T (NM_001318832.2).
Identifiers: ClinVar variation 509160 (VCV000509160.15), dbSNP rs904030973, ClinGen allele CA276740089.

ClinVar aggregate classification (germline): Conflicting classifications of pathogenicity. Review status: criteria provided, conflicting classifications (1 of 4 stars). 7 submissions from 7 submitters: Uncertain significance (2); Benign (1); Likely benign (4). Last evaluated 2025-08-20.

Conditions:
Tuberous sclerosis 2 (TSC2). Identifiers: Orphanet 805, MedGen C1860707, MONDO:0013199, OMIM 613254.
Tuberous sclerosis syndrome (TSC). Also called: Tuberous Sclerosis Complex; Tuberous sclerosis. Identifiers: Orphanet 805, MedGen C0041341, MONDO:0001734.

Allele frequency attached by ClinVar (database versions not stated): gnomAD 0.00001.
gnomAD v4.1: 1 of 1,613,226 alleles (0.000062%); highest among the groups gnomAD compares: Admixed American, 0.0017%; no homozygotes.

Submissions (7):

Labcorp Genetics (formerly Invitae), Labcorp
Classification: Likely benign for Tuberous sclerosis 2. Last evaluated: 2025-08-20. Review status: criteria provided, single submitter. Criteria: Invitae Variant Classification Sherloc (09022015). Collection method: clinical testing. Allele origin: germline.

Myriad Genetics, Inc.
Classification: Likely benign for Tuberous sclerosis 2. Last evaluated: 2023-12-19. Review status: criteria provided, single submitter. Criteria: Myriad Autosomal Dominant, Autosomal Recessive and X-Linked Classification Criteria (2023). Collection method: clinical testing. Allele origin: unknown.
Comment: This variant is considered likely benign. This variant is intronic and is not expected to impact mRNA splicing.

All of Us Research Program, National Institutes of Health
Classification: Uncertain significance for Tuberous sclerosis syndrome. Last evaluated: 2023-12-18. Review status: criteria provided, single submitter. Criteria: ACMG Guidelines, 2015. Collection method: clinical testing. Allele origin: germline. Inheritance: Autosomal dominant inheritance. Observed: 2 variant alleles, 2 heterozygotes.
Comment: This variant causes an A to T nucleotide substitution at the +6 position of intron 21/41 of the TSC2 gene. Splice site prediction tools are inconclusive regarding the impact of this variant on RNA splicing. To our knowledge, RNA studies have not been reported for this variant. This variant has not been reported in individuals affected with TSC2-related disorders in the literature. This variant has not been identified in the general population by the Genome Aggregation Database (gnomAD). The available evidence is insufficient to determine the role of this variant in disease conclusively. Therefore, this variant is classified as a Variant of Uncertain Significance.

This study involves interpretation of variants in research participants for the purpose of population health screening. Participant phenotype was not available at the time of variant classification. Additional details can be found in publication PMID: 35346344, PMCID: PMC8962531

Color Diagnostics, LLC DBA Color Health
Classification: Uncertain significance for Tuberous sclerosis syndrome. Last evaluated: 2023-10-25. Review status: criteria provided, single submitter. Criteria: ACMG Guidelines, 2015. Collection method: clinical testing. Allele origin: germline.
Comment: This variant causes an A to T nucleotide substitution at the +6 position of intron 21 of the TSC2 gene. Splice site prediction tools are inconclusive regarding the impact of this variant on RNA splicing. To our knowledge, RNA studies have not been reported for this variant. This variant has not been reported in individuals affected with TSC2-related disorders in the literature. This variant has not been identified in the general population by the Genome Aggregation Database (gnomAD). The available evidence is insufficient to determine the role of this variant in disease conclusively. Therefore, this variant is classified as a Variant of Uncertain Significance.

Genome-Nilou Lab
Classification: Benign for Tuberous sclerosis 2. Last evaluated: 2021-11-07. Review status: criteria provided, single submitter. Criteria: ACMG Guidelines, 2015. Collection method: clinical testing. Allele origin: germline. Affected: no.

Blueprint Genetics
Classification: Likely benign. Last evaluated: 2021-03-12. Review status: criteria provided, single submitter. Criteria: ACMG Guidelines, 2015. Collection method: clinical testing. Allele origin: germline.

GeneDx
Classification: Likely benign. Last evaluated: 2017-04-26. Review status: criteria provided, single submitter. Criteria: GeneDx Variant Classification (06012015). Collection method: clinical testing. Allele origin: germline. Affected: yes.
Comment: This variant is considered likely benign or benign based on one or more of the following criteria: it is a conservative change, it occurs at a poorly conserved position in the protein, it is predicted to be benign by multiple in silico algorithms, and/or has population frequency not consistent with disease.